The following is an entry in ClinVar:

NM_002691.4(POLD1):c.3067+3G>C

Gene: POLD1 (DNA polymerase delta 1, catalytic subunit; plus strand). Cytogenetic location: 19q13.33.
Variant type: single nucleotide variant.
Coding change: c.3067+3G>C on transcript NM_002691.4 (MANE Select); 3 bases into the intron after coding-DNA position 3067, G replaced by C.
Molecular consequence: intron variant.
Genome position (GRCh38, 1-based): chr19:50,416,726, G>C. VCF-style: chr19-50416726-G-C. GRCh37 (hg19) VCF-style: chr19-50919983-G-C.
Other names: c.3067+3G>C (NM_001256849.1); c.3145+3G>C (NM_001308632.1).
Identifiers: ClinVar variation 3722742 (VCV003722742.2).

ClinVar aggregate classification (germline): Uncertain significance (1 of 4 stars; one submission).

Conditions:
POLD1-related polyposis and colorectal cancer syndrome (CRCS10). Also called: Colorectal cancer 10; COLORECTAL CANCER, SUSCEPTIBILITY TO, ON CHROMOSOME 19q; Colorectal cancer, susceptibility to, 10. Identifiers: Orphanet 220460, MedGen C2675481, MONDO:0012953, OMIM 612591.

Submission:

Labcorp Genetics (formerly Invitae), Labcorp
Classification: Uncertain significance for POLD1-related polyposis and colorectal cancer syndrome. Last evaluated: 2024-10-12. Review status: criteria provided, single submitter. Criteria: Invitae Variant Classification Sherloc (09022015). Collection method: clinical testing. Allele origin: germline.
Comment: This sequence change falls in intron 24 of the POLD1 gene. It does not directly change the encoded amino acid sequence of the POLD1 protein. It affects a nucleotide within the consensus splice site. This variant is not present in population databases (gnomAD no frequency). This variant has not been reported in the literature in individuals affected with POLD1-related conditions. Variants that disrupt the consensus splice site are a relatively common cause of aberrant splicing (PMID: 17576681, 9536098). Algorithms developed to predict the effect of sequence changes on RNA splicing suggest that this variant may disrupt the consensus splice site. In summary, the available evidence is currently insufficient to determine the role of this variant in disease. Therefore, it has been classified as a Variant of Uncertain Significance.

Literature cited by the submitters: PubMed 17576681; PubMed 9536098.